The following is an entry in ClinVar:

ClinVar aggregate classification (germline): Benign/Likely benign. Review status: criteria provided, multiple submitters, no conflicts (2 of 4 stars). 4 submissions from 4 submitters: Benign (2); Likely benign (1). 1 of the submissions does not count toward it. Last evaluated 2026-01-12.

Conditions:
PIKFYVE-related disorder. Also called: PIKFYVE-related condition.
Fleck corneal dystrophy (CFD). Also called: CORNEAL DYSTROPHY, FRANCOIS-NEETENS SPECKLED OR FLECKED. Identifiers: Orphanet 98970, MedGen C1562113, MONDO:0007376, OMIM 121850.

Allele frequency attached by ClinVar (database versions not stated): 1000 Genomes Project 30x 0.00062; 1000 Genomes Project 0.00080; TOPMed 0.00108; ESP Exome Variant Server 0.00131; gnomAD 0.00135 and 0.00139; gnomAD exomes 0.00136 and 0.00142; ExAC 0.00155.
gnomAD v4.1: 2,270 of 1,613,294 alleles (0.14%); highest among the groups gnomAD compares: Non-Finnish European, 0.17%; no homozygotes.

Submissions (7):

Labcorp Genetics (formerly Invitae), Labcorp
Classification: Likely benign. Last evaluated: 2026-01-12. Review status: criteria provided, single submitter. Criteria: Invitae Variant Classification Sherloc (09022015). Collection method: clinical testing. Allele origin: germline.

Illumina Laboratory Services, Illumina
Classification: Benign for Fleck corneal dystrophy. Last evaluated: 2018-01-13. Review status: criteria provided, single submitter. Criteria: ICSL Variant Classification Criteria 13 December 2019. Collection method: clinical testing. Allele origin: germline.
Comment: This variant was observed in the ICSL laboratory as part of a predisposition screen in an ostensibly healthy population. It had not been previously curated by ICSL or reported in the Human Gene Mutation Database (HGMD: prior to June 1st, 2018), and was therefore a candidate for classification through an automated scoring system. Utilizing variant allele frequency, disease prevalence and penetrance estimates, and inheritance mode, an automated score was calculated to assess if this variant is too frequent to cause the disease. Based on the score and internal cut-off values, a variant classified as benign is not then subjected to further curation. The score for this variant resulted in a classification of benign for this disease.

Breakthrough Genomics
Classification: Benign. Review status: criteria provided, single submitter. Criteria: ACMG Guidelines, 2015. Collection method: not provided. Allele origin: germline. Inheritance: Autosomal dominant inheritance. Affected: yes.

PreventionGenetics, part of Exact Sciences
Classification: Likely benign for PIKFYVE-related condition. Last evaluated: 2021-01-12. Review status: no assertion criteria provided. Collection method: clinical testing. Allele origin: germline. Not counted in ClinVar's aggregate classification.
Comment: This variant is classified as likely benign based on ACMG/AMP sequence variant interpretation guidelines (Richards et al. 2015 PMID: 25741868, with internal and published modifications).

Dr. Peter K. Rogan Lab, Western University
No classification provided (evidence only). Condition: Cervical cancer. Review status: no classification provided. Collection method: in vitro. Allele origin: not applicable. Functional consequence: retained intron. Not counted in ClinVar's aggregate classification.

Dr. Peter K. Rogan Lab, Western University
No classification provided (evidence only). Condition: Hepatocellular carcinoma. Review status: no classification provided. Collection method: in vitro. Allele origin: not applicable. Functional consequence: retained intron. Not counted in ClinVar's aggregate classification.

Dr. Peter K. Rogan Lab, Western University
No classification provided (evidence only). Condition: Gastric cancer. Review status: no classification provided. Collection method: in vitro. Allele origin: not applicable. Functional consequence: retained intron. Not counted in ClinVar's aggregate classification.

NM_015040.4(PIKFYVE):c.1715G>A (p.Arg572Gln)

Gene: PIKFYVE (phosphoinositide kinase, FYVE-type zinc finger containing; plus strand). Cytogenetic location: 2q34.
Variant type: single nucleotide variant.
Coding change: c.1715G>A on transcript NM_015040.4 (MANE Select); coding-DNA position 1715, G replaced by A.
Protein change: p.Arg572Gln; replaces arginine 572 with glutamine.
Molecular consequence: missense variant.
Genome position (GRCh38, 1-based): chr2:208,314,312, G>A. VCF-style: chr2-208314312-G-A. GRCh37 (hg19) VCF-style: chr2-209179036-G-A.
Other names: short protein forms R572Q.
Identifiers: ClinVar variation 333891 (VCV000333891.13), dbSNP rs146158348, ClinGen allele CA2079628.